The following is an entry in ClinVar:

NM_004370.6(COL12A1):c.4589T>C (p.Met1530Thr)

Gene: COL12A1 (collagen type XII alpha 1 chain; minus strand). Cytogenetic location: 6q13.
Variant type: single nucleotide variant.
Coding change: c.4589T>C on transcript NM_004370.6 (MANE Select); coding-DNA position 4589, T replaced by C.
Protein change: p.Met1530Thr; replaces methionine 1530 with threonine.
Molecular consequence: missense variant.
Genome position (GRCh38, 1-based): chr6:75,145,427, A>G on the plus strand (T>C on the coding strand, the complement: COL12A1 is on the minus strand). VCF-style: chr6-75145427-A-G. GRCh37 (hg19) VCF-style: chr6-75855143-A-G.
Other names: c.1097T>C, p.Met366Thr (NM_080645.3); short protein forms M366T, M1530T.
Identifiers: ClinVar variation 1496589 (VCV001496589.9), dbSNP rs1767128506, ClinGen allele CA364743158.

ClinVar aggregate classification (germline): Uncertain significance. Review status: criteria provided, multiple submitters, no conflicts (2 of 4 stars). 2 submissions from 2 submitters: Uncertain significance (2). Last evaluated 2022-05-03.

Conditions:
Ullrich congenital muscular dystrophy 2 (UCMD2). Identifiers: Orphanet 75840, MedGen C4225314, MONDO:0014654, OMIM 616470.
Bethlem myopathy 2 (BTHLM2). Identifiers: Orphanet 536516, Orphanet 610, MedGen C4225313, MONDO:0034022, OMIM 616471.

Submissions (2):

Fulgent Genetics
Classification: Uncertain significance for Ullrich congenital muscular dystrophy 2; Bethlem myopathy 2. Last evaluated: 2022-05-03. Review status: criteria provided, single submitter. Criteria: ACMG Guidelines, 2015. Collection method: clinical testing. Allele origin: unknown.

Labcorp Genetics (formerly Invitae), Labcorp
Classification: Uncertain significance for Bethlem myopathy 2; Ullrich congenital muscular dystrophy 2. Last evaluated: 2020-12-06. Review status: criteria provided, single submitter. Criteria: Invitae Variant Classification Sherloc (09022015). Collection method: clinical testing. Allele origin: germline.
Comment: In summary, the available evidence is currently insufficient to determine the role of this variant in disease. Therefore, it has been classified as a Variant of Uncertain Significance. Algorithms developed to predict the effect of missense changes on protein structure and function (SIFT, PolyPhen-2, Align-GVGD) all suggest that this variant is likely to be tolerated, but these predictions have not been confirmed by published functional studies and their clinical significance is uncertain. This sequence change replaces methionine with threonine at codon 1530 of the COL12A1 protein (p.Met1530Thr). The methionine residue is weakly conserved and there is a moderate physicochemical difference between methionine and threonine. This variant is not present in population databases (ExAC no frequency). This variant has not been reported in the literature in individuals with COL12A1-related conditions.